The following is an entry in ClinVar:

NM_002693.3(POLG):c.82A>T (p.Ser28Cys)

Genes: POLG (DNA polymerase gamma, catalytic subunit; minus strand), POLGARF (POLG alternative reading frame; minus strand). Cytogenetic location: 15q26.1.
Variant type: single nucleotide variant.
Coding change: c.82A>T on transcript NM_002693.3 (MANE Select); coding-DNA position 82, A replaced by T.
Protein change: p.Ser28Cys; replaces serine 28 with cysteine.
Molecular consequence: missense variant.
Genome position (GRCh38, 1-based): chr15:89,333,673, T>A on the plus strand (A>T on the coding strand, the complement: POLG is on the minus strand). VCF-style: chr15-89333673-T-A. GRCh37 (hg19) VCF-style: chr15-89876904-T-A.
Other names: c.82A>T, p.Ser28Cys (NM_001126131.2); short protein forms S28C.
Identifiers: ClinVar variation 619446 (VCV000619446.1), dbSNP rs1567194544, ClinGen allele CA10602299.

ClinVar aggregate classification (germline): Likely benign (1 of 4 stars; one submission).

Conditions:
Progressive sclerosing poliodystrophy (MTDPS4A). Also called: Alpers-Huttenlocher Syndrome (AHS); Alpers Syndrome; ALPERS PROGRESSIVE INFANTILE POLIODYSTROPHY; Mitochondrial DNA depletion syndrome 4A (Alpers type); ALPERS DIFFUSE DEGENERATION OF CEREBRAL GRAY MATTER WITH HEPATIC CIRRHOSIS; Alpers-Huttenlocher Syndrome. Identifiers: Orphanet 726, MedGen C0205710, MONDO:0008758, OMIM 203700.

Submission:

Wong Mito Lab, Molecular and Human Genetics, Baylor College of Medicine
Classification: Likely benign for Progressive sclerosing poliodystrophy. Last evaluated: 2018-10-01. Review status: criteria provided, single submitter. Criteria: ACMG Guidelines, 2015. Collection method: clinical testing. Allele origin: germline.
Comment: The NM_002693.2:c.82A>T (NP_002684.1:p.Ser28Cys) [GRCH38: NC_000015.10:g.89333673T>A] variant in POLG gene is interpretated to be a Likely Benign based on ACMG guidelines (PMID: 25741868). This variant meets the following evidence codes reported in the ACMG-guideline. BP2:The variant is observed in trans/cis with a dominant variant. BP4:Computational evidence/predictors indicate no impact on the POLG structure, function, or protein-protein interaction. Based on the evidence criteria codes applied, the variant is suggested to be Likely Benign.